The following is an entry in ClinVar:

ClinVar aggregate classification (germline): Likely pathogenic (1 of 4 stars; one submission).

Conditions:
Walker-Warburg congenital muscular dystrophy. Also called: Muscular dystrophy-dystroglycanopathy, type A; Walker-Warburg syndrome. Identifiers: Orphanet 899, MedGen C0265221, MONDO:0000171.

Submission:

Natera, Inc.
Classification: Likely pathogenic for Walker-Warburg congenital muscular dystrophy. Last evaluated: 2024-06-25. Review status: criteria provided, single submitter. Criteria: Natera Variant Classification Schema (03/2026). Collection method: clinical testing. Allele origin: germline.
Comment: The c.938dup variant in FKTN is a frameshift variant predicted to shift the reading frame beginning at codon 314 and leads to a stop codon 2 codons downstream. This variant is expected to result in nonsense mediated decay, truncation, or a dysfunctional protein product. This variant is rare in the general population with a frequency below the threshold expected for the associated phenotype(s). Given the available evidence, this variant is classified as Likely Pathogenic.

NM_001079802.2(FKTN):c.938dup (p.Tyr314fs)

Gene: FKTN (fukutin; plus strand). Cytogenetic location: 9q31.2.
Variant type: Duplication.
Coding change: c.938dup on transcript NM_001079802.2 (MANE Select); coding-DNA position 938, one base duplicated (C; older notation c.938dupC).
Protein change: p.Tyr314fs; shifts the reading frame from tyrosine 314.
Molecular consequence: frameshift variant. On other transcripts: non-coding transcript variant (1).
Genome position (GRCh38, 1-based): chr9:105,617,986, C duplicated; the last of 2 consecutive C bases (chr9:105,617,985-105,617,986); duplicating either gives the same sequence. VCF-style (leftmost placement, unchanged base first): chr9-105617984-T-TC. GRCh37 (hg19) VCF-style: chr9-108380265-T-TC.
Other names: c.542dup, p.Tyr182fs (NM_001351501.2, NM_001351502.2, NM_001351499.2 and 1 more transcripts); c.938dup, p.Tyr314fs (NM_006731.2, NM_001198963.2, NM_001351496.2 and 1 more transcripts); c.869dup, p.Tyr291fs (NM_001351497.2); short protein forms Y182fs, Y291fs, Y314fs.
Identifiers: ClinVar variation 4814587 (VCV004814587.1).